The following is an entry in ClinVar:

NM_000382.3(ALDH3A2):c.807T>C (p.Tyr269=)

Gene: ALDH3A2 (aldehyde dehydrogenase 3 family member A2; plus strand). Cytogenetic location: 17p11.2.
Variant type: single nucleotide variant.
Coding change: c.807T>C on transcript NM_000382.3 (MANE Select); coding-DNA position 807, T replaced by C.
Protein change: p.Tyr269=; no amino-acid change (tyrosine 269 retained).
Molecular consequence: synonymous variant.
Genome position (GRCh38, 1-based): chr17:19,661,135, T>C. VCF-style: chr17-19661135-T-C. GRCh37 (hg19) VCF-style: chr17-19564448-T-C.
Other names: c.807T>C, p.Tyr269= (NM_001031806.2, NM_001369136.1, NM_001369137.2 and 3 more transcripts); c.228T>C, p.Tyr76= (NM_001369148.2); c.807T>C (NM_000382.2).
Identifiers: ClinVar variation 1627796 (VCV001627796.10), dbSNP rs2084960020, ClinGen allele CA498616152.

ClinVar aggregate classification (germline): Likely benign. Review status: criteria provided, single submitter (1 of 4 stars). 2 submissions from 2 submitters: Likely benign (1). 1 of the submissions does not count toward it. Last evaluated 2023-03-01.

Conditions:
ALDH3A2-related disorder. Also called: ALDH3A2-related condition.

Allele frequency attached by ClinVar (database versions not stated): TOPMed below 0.00001; gnomAD exomes 0.00001.
gnomAD v4.1: 3 of 1,610,456 alleles (0.00019%); highest among the groups gnomAD compares: Non-Finnish European, 0.00025%; no homozygotes.

Submissions (2):

Labcorp Genetics (formerly Invitae), Labcorp
Classification: Likely benign. Last evaluated: 2023-03-01. Review status: criteria provided, single submitter. Criteria: Invitae Variant Classification Sherloc (09022015). Collection method: clinical testing. Allele origin: germline.

PreventionGenetics, part of Exact Sciences
Classification: Likely benign for ALDH3A2-related condition. Last evaluated: 2019-06-06. Review status: no assertion criteria provided. Collection method: clinical testing. Allele origin: germline. Not counted in ClinVar's aggregate classification.
Comment: This variant is classified as likely benign based on ACMG/AMP sequence variant interpretation guidelines (Richards et al. 2015 PMID: 25741868, with internal and published modifications).